The following is an entry in ClinVar:

NM_004360.5(CDH1):c.2301T>C (p.Phe767=)

Gene: CDH1 (cadherin 1; plus strand). Cytogenetic location: 16q22.1.
Variant type: single nucleotide variant.
Coding change: c.2301T>C on transcript NM_004360.5 (MANE Select); coding-DNA position 2301, T replaced by C.
Protein change: p.Phe767=; no amino-acid change (phenylalanine 767 retained).
Molecular consequence: synonymous variant.
Genome position (GRCh38, 1-based): chr16:68,829,659, T>C. VCF-style: chr16-68829659-T-C. GRCh37 (hg19) VCF-style: chr16-68863562-T-C.
Other names: c.2118T>C, p.Phe706= (NM_001317184.2); c.753T>C, p.Phe251= (NM_001317185.2); c.336T>C, p.Phe112= (NM_001317186.2).
Identifiers: ClinVar variation 1789305 (VCV001789305.3), dbSNP rs2152142216, ClinGen allele CA496157332.

ClinVar aggregate classification (germline): Benign/Likely benign. Review status: criteria provided, multiple submitters, no conflicts (2 of 4 stars). 2 submissions from 2 submitters: Benign (1); Likely benign (1). Last evaluated 2024-09-23.

Conditions:
Hereditary cancer-predisposing syndrome. Also called: Neoplastic Syndromes, Hereditary; Tumor predisposition; Hereditary neoplastic syndrome; Hereditary Cancer Syndrome. Identifiers: Orphanet 140162, MedGen C0027672, MeSH D009386, MONDO:0015356.
Hereditary diffuse gastric adenocarcinoma (HDGC). Also called: DIFFUSE GASTRIC AND LOBULAR BREAST CANCER SYNDROME. Identifiers: Orphanet 26106, MedGen C1708349, MONDO:0007648, OMIM 137215.

Submissions (2):

Myriad Genetics, Inc.
Classification: Benign for Hereditary diffuse gastric adenocarcinoma. Last evaluated: 2024-09-23. Review status: criteria provided, single submitter. Criteria: Myriad Autosomal Dominant, Autosomal Recessive and X-Linked Classification Criteria (2023). Collection method: clinical testing. Allele origin: unknown.
Comment: This variant is considered benign. This variant is a silent/synonymous amino acid change and it is not expected to impact splicing.

Ambry Genetics
Classification: Likely benign for Hereditary cancer-predisposing syndrome. Last evaluated: 2020-09-30. Review status: criteria provided, single submitter. Criteria: Ambry Variant Classification Scheme 2023. Collection method: clinical testing. Allele origin: germline.